The following is an entry in ClinVar:

NM_001145026.2(PTPRQ):c.-1G>A

Gene: PTPRQ (protein tyrosine phosphatase receptor type Q; plus strand). Cytogenetic location: 12q21.31.
Variant type: single nucleotide variant.
Coding change: c.-1G>A on transcript NM_001145026.2 (MANE Select); 1 bases upstream of the start codon, G replaced by A.
Molecular consequence: 5 prime UTR variant.
Genome position (GRCh38, 1-based): chr12:80,444,345, G>A. VCF-style: chr12-80444345-G-A. GRCh37 (hg19) VCF-style: chr12-80838125-G-A.
Other names: c.-1G>A (NM_001145026.1).
Identifiers: ClinVar variation 806914 (VCV000806914.43), dbSNP rs538419954, ClinGen allele CA6702281.

ClinVar aggregate classification (germline): Conflicting classifications of pathogenicity. Review status: criteria provided, conflicting classifications (1 of 4 stars). 2 submissions from 2 submitters: Uncertain significance (1); Likely benign (1). Last evaluated 2026-07-18.

Conditions:
PTPRQ-related disorder. Also called: PTPRQ-related condition.

Allele frequency attached by ClinVar (database versions not stated): ExAC 0.00036; TOPMed 0.00053; 1000 Genomes Project 0.00060; 1000 Genomes Project 30x 0.00078; gnomAD exomes 0.00086; gnomAD 0.00094 and 0.00095.
gnomAD v4.1: 1,239 of 1,427,100 alleles (0.087%); highest among the groups gnomAD compares: Non-Finnish European, 0.095%; 2 homozygotes.

Submissions (2):

PreventionGenetics, part of Exact Sciences
Classification: Likely benign for PTPRQ-related condition. Last evaluated: 2026-07-18. Review status: criteria provided, single submitter. Criteria: ACMG Guidelines, 2015. Collection method: clinical testing. Allele origin: germline.
Comment: This variant is classified as likely benign based on ACMG/AMP sequence variant interpretation guidelines (Richards et al. 2015 PMID: 25741868, with internal and published modifications).

CeGaT Center for Human Genetics Tuebingen
Classification: Uncertain significance. Last evaluated: 2022-02-01. Review status: criteria provided, single submitter. Criteria: CeGaT Center For Human Genetics Tuebingen Variant Classification Criteria Version 2. Collection method: clinical testing. Allele origin: germline. Affected: yes. Observed: 2 variant alleles.